The following is an entry in ClinVar:

NM_144701.3(IL23R):c.1591G>A (p.Ala531Thr)

Gene: IL23R (interleukin 23 receptor; plus strand). Cytogenetic location: 1p31.3.
Variant type: single nucleotide variant.
Coding change: c.1591G>A on transcript NM_144701.3 (MANE Select); coding-DNA position 1591, G replaced by A.
Protein change: p.Ala531Thr; replaces alanine 531 with threonine.
Molecular consequence: missense variant.
Genome position (GRCh38, 1-based): chr1:67,258,829, G>A. VCF-style: chr1-67258829-G-A. GRCh37 (hg19) VCF-style: chr1-67724512-G-A.
Other names: c.1591G>A (NM_144701.2); short protein forms A531T.
Identifiers: ClinVar variation 1922350 (VCV001922350.6), dbSNP rs112114661, ClinGen allele CA900037.
Genomic context (GRCh38, chr1:67,258,829, plus strand): 5'-CCACCAGTTGATTCCTTAGACTCAGGAAATAATCCCAGGTTACAAAAGCATCCTAATTTT[G>A]CTTTTTCTGTTTCAAGTGTGAATTCACTAAGCAACACAATATTTCTTGGAGAATTAAGCC-3'
Protein context (NP_653302.2, residues 521-541): NPRLQKHPNF[Ala531Thr]FSVSSVNSLS

ClinVar aggregate classification (germline): Uncertain significance. Review status: criteria provided, multiple submitters, no conflicts (2 of 4 stars). 2 submissions from 2 submitters: Uncertain significance (2). Last evaluated 2025-11-19.

Allele frequency attached by ClinVar (database versions not stated): ExAC 0.00001.
gnomAD v4.1: 153 of 1,612,446 alleles (0.0095%); highest among the groups gnomAD compares: Non-Finnish European, 0.013%; no homozygotes.

Submissions (2):

Ambry Genetics
Classification: Uncertain significance. Last evaluated: 2025-11-19. Review status: criteria provided, single submitter. Criteria: Ambry Variant Classification Scheme 2023. Collection method: clinical testing. Allele origin: germline.

Labcorp Genetics (formerly Invitae), Labcorp
Classification: Uncertain significance. Last evaluated: 2025-08-09. Review status: criteria provided, single submitter. Criteria: Invitae Variant Classification Sherloc (09022015). Collection method: clinical testing. Allele origin: germline.
Comment: This sequence change replaces alanine, which is neutral and non-polar, with threonine, which is neutral and polar, at codon 531 of the IL23R protein (p.Ala531Thr). This variant is present in population databases (rs112114661, gnomAD 0.005%). This variant has not been reported in the literature in individuals affected with IL23R-related conditions. ClinVar contains an entry for this variant (Variation ID: 1922350). An algorithm developed to predict the effect of missense changes on protein structure and function outputs the following: PolyPhen-2: "Possibly Damaging". The threonine amino acid residue is found in multiple mammalian species, which suggests that this missense change does not adversely affect protein function. In summary, the available evidence is currently insufficient to determine the role of this variant in disease. Therefore, it has been classified as a Variant of Uncertain Significance.